The following is an entry in ClinVar:

NM_001282531.3(ADNP):c.861C>T (p.Ile287=)

Gene: ADNP (activity dependent neuroprotector homeobox; minus strand). Cytogenetic location: 20q13.13.
Variant type: single nucleotide variant.
Coding change: c.861C>T on transcript NM_001282531.3 (MANE Select); coding-DNA position 861, C replaced by T.
Protein change: p.Ile287=; no amino-acid change (isoleucine 287 retained).
Molecular consequence: synonymous variant.
Genome position (GRCh38, 1-based): chr20:50,893,853, G>A on the plus strand (C>T on the coding strand, the complement: ADNP is on the minus strand). VCF-style: chr20-50893853-G-A. GRCh37 (hg19) VCF-style: chr20-49510390-G-A.
Other names: c.861C>T (NM_001282531.2); c.861C>T, p.Ile287= (NM_001282532.2, NM_001347511.2, NM_015339.5 and 1 more transcripts).
Identifiers: ClinVar variation 2869515 (VCV002869515.5), dbSNP rs749666251, ClinGen allele CA9908824.
Genomic context (GRCh38, chr20:50,893,853, plus strand): 5'-GAGTCGATTCACCATCTGCTGTGATGGTAAAGACCGGACATTTCCAGAAGCAAGGGAACC[G>A]ATCCTTGGTGGGAGTCCCATGCTCTTCTTGTCTTGAGGTTTGGGAGCAATTAGCATCAAG-3'
Protein context (NP_001269460.1, residues 277-297): DKKSMGLPPR[Ile287=]GSLASGNVRS

ClinVar aggregate classification (germline): Uncertain significance. Review status: criteria provided, single submitter (1 of 4 stars). 2 submissions from 2 submitters: Uncertain significance (1). 1 of the submissions does not count toward it. Last evaluated 2023-08-14.

Conditions:
ADNP-related disorder. Also called: ADNP-related condition.

Allele frequency attached by ClinVar (database versions not stated): gnomAD exomes 0.00001; ExAC 0.00002; TOPMed 0.00005; gnomAD 0.00006.
gnomAD v4.1: 24 of 1,614,074 alleles (0.0015%); highest among the groups gnomAD compares: African/African-American, 0.0093%; no homozygotes.

Submissions (2):

Labcorp Genetics (formerly Invitae), Labcorp
Classification: Uncertain significance. Last evaluated: 2023-08-14. Review status: criteria provided, single submitter. Criteria: Invitae Variant Classification Sherloc (09022015). Collection method: clinical testing. Allele origin: germline.
Comment: In summary, the available evidence is currently insufficient to determine the role of this variant in disease. Therefore, it has been classified as a Variant of Uncertain Significance. Experimental studies and prediction algorithms are not available or were not evaluated, and the effect of this variant on mRNA splicing is currently unknown. This variant has not been reported in the literature in individuals affected with ADNP-related conditions. This variant is present in population databases (rs749666251, gnomAD 0.02%). This sequence change affects codon 287 of the ADNP mRNA. It is a 'silent' change, meaning that it does not change the encoded amino acid sequence of the ADNP protein.

PreventionGenetics, part of Exact Sciences
Classification: Likely benign for ADNP-related condition. Last evaluated: 2021-09-10. Review status: no assertion criteria provided. Collection method: clinical testing. Allele origin: germline. Not counted in ClinVar's aggregate classification.
Comment: This variant is classified as likely benign based on ACMG/AMP sequence variant interpretation guidelines (Richards et al. 2015 PMID: 25741868, with internal and published modifications).